The following is an entry in ClinVar:

NM_001145809.2(MYH14):c.1833C>T (p.Val611=)

Gene: MYH14 (myosin heavy chain 14; plus strand). Cytogenetic location: 19q13.33.
Variant type: single nucleotide variant.
Coding change: c.1833C>T on transcript NM_001145809.2 (MANE Select); coding-DNA position 1833, C replaced by T.
Protein change: p.Val611=; no amino-acid change (valine 611 retained).
Molecular consequence: synonymous variant.
Genome position (GRCh38, 1-based): chr19:50,252,641, C>T. VCF-style: chr19-50252641-C-T. GRCh37 (hg19) VCF-style: chr19-50755898-C-T.
Other names: c.1833C>T, p.Val611= (NM_001077186.2); c.1809C>T, p.Val603= (NM_024729.4).
Identifiers: ClinVar variation 893603 (VCV000893603.16), dbSNP rs775077510, ClinGen allele CA9592733.

ClinVar aggregate classification (germline): Conflicting classifications of pathogenicity. Review status: criteria provided, conflicting classifications (1 of 4 stars). 4 submissions from 4 submitters: Uncertain significance (1); Likely benign (3). Last evaluated 2025-12-01.

Conditions:
Autosomal dominant nonsyndromic hearing loss 4A. Also called: Deafness, autosomal dominant 4A. Identifiers: Orphanet 90635, MedGen C1833503, MONDO:0010915, OMIM 600652.

Allele frequency attached by ClinVar (database versions not stated): gnomAD exomes 0.00003 and 0.00004; gnomAD 0.00007 and 0.00009; ExAC 0.00009; TOPMed 0.00012.
gnomAD v4.1: 52 of 1,581,964 alleles (0.0033%); highest among the groups gnomAD compares: African/African-American, 0.015%; no homozygotes.

Submissions (4):

Labcorp Genetics (formerly Invitae), Labcorp
Classification: Likely benign. Last evaluated: 2025-12-01. Review status: criteria provided, single submitter. Criteria: Invitae Variant Classification Sherloc (09022015). Collection method: clinical testing. Allele origin: germline.

CeGaT Center for Human Genetics Tuebingen
Classification: Likely benign. Last evaluated: 2025-06-01. Review status: criteria provided, single submitter. Criteria: CeGaT Center For Human Genetics Tuebingen Variant Classification Criteria Version 2. Collection method: clinical testing. Allele origin: germline. Affected: yes. Observed: 1 variant allele.
Comment: MYH14: BP4, BP7

Blueprint Genetics
Classification: Likely benign. Last evaluated: 2024-04-03. Review status: criteria provided, single submitter. Criteria: ACMG Guidelines, 2015. Collection method: clinical testing. Allele origin: germline.

Illumina Laboratory Services, Illumina
Classification: Uncertain significance for Autosomal dominant nonsyndromic hearing loss 4A. Last evaluated: 2018-01-12. Review status: criteria provided, single submitter. Criteria: ICSL Variant Classification Criteria 13 December 2019. Collection method: clinical testing. Allele origin: germline.